The following is an entry in ClinVar:

ClinVar aggregate classification (germline): Uncertain significance (1 of 4 stars; one submission).

Allele frequency attached by ClinVar (database versions not stated): gnomAD 0.00001; TOPMed 0.00001.
gnomAD v4.1: 1 of 1,613,784 alleles (0.000062%); highest among the groups gnomAD compares: African/African-American, 0.0013%; no homozygotes.

Submission:

Labcorp Genetics (formerly Invitae), Labcorp
Classification: Uncertain significance. Last evaluated: 2021-12-02. Review status: criteria provided, single submitter. Criteria: Invitae Variant Classification Sherloc (09022015). Collection method: clinical testing. Allele origin: germline.
Comment: In summary, the available evidence is currently insufficient to determine the role of this variant in disease. Therefore, it has been classified as a Variant of Uncertain Significance. Algorithms developed to predict the effect of missense changes on protein structure and function (SIFT, PolyPhen-2, Align-GVGD) all suggest that this variant is likely to be tolerated. This variant has not been reported in the literature in individuals affected with ZNF335-related conditions. This variant is not present in population databases (gnomAD no frequency). This sequence change replaces proline, which is neutral and non-polar, with leucine, which is neutral and non-polar, at codon 841 of the ZNF335 protein (p.Pro841Leu).

NM_022095.4(ZNF335):c.2522C>T (p.Pro841Leu)

Gene: ZNF335 (zinc finger protein 335; minus strand). Cytogenetic location: 20q13.12.
Variant type: single nucleotide variant.
Coding change: c.2522C>T on transcript NM_022095.4 (MANE Select); coding-DNA position 2522, C replaced by T.
Protein change: p.Pro841Leu; replaces proline 841 with leucine.
Molecular consequence: missense variant.
Genome position (GRCh38, 1-based): chr20:45,953,869, G>A on the plus strand (C>T on the coding strand, the complement: ZNF335 is on the minus strand). VCF-style: chr20-45953869-G-A. GRCh37 (hg19) VCF-style: chr20-44582508-G-A.
Other names: short protein forms P841L.
Identifiers: ClinVar variation 1511082 (VCV001511082.6), dbSNP rs1160087900, ClinGen allele CA409240854.